The following is an entry in ClinVar:

ClinVar aggregate classification (germline): Uncertain significance. Review status: criteria provided, multiple submitters, no conflicts (2 of 4 stars). 2 submissions from 2 submitters: Uncertain significance (2). Last evaluated 2025-09-23.

Conditions:
Familial hypobetalipoproteinemia 1. Also called: APOB-Related Familial Hypobetalipoproteinemia; Hypobetalipoproteinemia, normotriglyceridemic; Acanthocytosis with hypobetalipoproteinemia. Identifiers: MedGen C4551990, MONDO:0014252, OMIM 615558.
Hypercholesterolemia, autosomal dominant, type B (FHCL2). Also called: Familial Hypercholesterolemia Type B; APOLIPOPROTEIN B-100, FAMILIAL DEFECTIVE; APOLIPOPROTEIN B-100, FAMILIAL LIGAND-DEFECTIVE; HYPERCHOLESTEROLEMIA, FAMILIAL, DUE TO LIGAND-DEFECTIVE APOLIPOPROTEIN B; APOB-Related Familial Hypercholesterolemia, Autosomal Dominant; Hyperlipoproteinemia Type IIb. Identifiers: MedGen C1704417, MONDO:0007751, OMIM 144010.

gnomAD v4.1: 1 of 1,555,884 alleles (0.000064%); highest among the groups gnomAD compares: Non-Finnish European, 0.000087%; no homozygotes.

Submissions (2):

Labcorp Genetics (formerly Invitae), Labcorp
Classification: Uncertain significance for Familial hypobetalipoproteinemia 1; Hypercholesterolemia, autosomal dominant, type B. Last evaluated: 2025-09-23. Review status: criteria provided, single submitter. Criteria: Invitae Variant Classification Sherloc (09022015). Collection method: clinical testing. Allele origin: germline.
Comment: This sequence change replaces aspartic acid, which is acidic and polar, with glycine, which is neutral and non-polar, at codon 2203 of the APOB protein (p.Asp2203Gly). This variant is not present in population databases (gnomAD no frequency). This variant has not been reported in the literature in individuals affected with APOB-related conditions. Invitae Evidence Modeling of protein sequence and biophysical properties (such as structural, functional, and spatial information, amino acid conservation, physicochemical variation, residue mobility, and thermodynamic stability) indicates that this missense variant is not expected to disrupt APOB protein function with a negative predictive value of 95%. In summary, the available evidence is currently insufficient to determine the role of this variant in disease. Therefore, it has been classified as a Variant of Uncertain Significance.

Revvity Omics, Revvity
Classification: Uncertain significance. Last evaluated: 2024-08-27. Review status: criteria provided, single submitter. Criteria: ACMG Guidelines, 2015. Collection method: clinical testing. Allele origin: germline.

NM_000384.3(APOB):c.6608A>G (p.Asp2203Gly)

Gene: APOB (apolipoprotein B; minus strand). Cytogenetic location: 2p24.1.
Variant type: single nucleotide variant.
Coding change: c.6608A>G on transcript NM_000384.3 (MANE Select); coding-DNA position 6608, A replaced by G.
Protein change: p.Asp2203Gly; replaces aspartic acid 2203 with glycine.
Molecular consequence: missense variant.
Genome position (GRCh38, 1-based): chr2:21,010,260, T>C on the plus strand (A>G on the coding strand, the complement: APOB is on the minus strand). VCF-style: chr2-21010260-T-C. GRCh37 (hg19) VCF-style: chr2-21233132-T-C.
Other names: short protein forms D2203G.
Identifiers: ClinVar variation 4078002 (VCV004078002.2).
Genomic context (GRCh38, chr2:21,010,260, plus strand): 5'-ACTAAATTTACACGGATATGATAGTGCTCATCAAGACTTTTTAATTTTTCAATGATTTCA[T>C]CAATAATATTAGCAATAGCTATTTTCAAATCATGTAAATCATAACTATCTTTAATATACT-3'
Protein context (NP_000375.3, residues 2193-2213): DLKIAIANII[Asp2203Gly]EIIEKLKSLD